The following is an entry in ClinVar:

ClinVar aggregate classification (germline): Uncertain significance (1 of 4 stars; one submission).

Conditions:
Tuberous sclerosis 1 (TSC1). Identifiers: Orphanet 805, MedGen C1854465, MONDO:0008612, OMIM 191100.

Submission:

Labcorp Genetics (formerly Invitae), Labcorp
Classification: Uncertain significance for Tuberous sclerosis 1. Last evaluated: 2025-08-24. Review status: criteria provided, single submitter. Criteria: Invitae Variant Classification Sherloc (09022015). Collection method: clinical testing. Allele origin: germline.
Comment: This sequence change falls in intron 7 of the TSC1 gene. It does not directly change the encoded amino acid sequence of the TSC1 protein. It affects a nucleotide within the consensus splice site. This variant is not present in population databases (gnomAD no frequency). This variant has not been reported in the literature in individuals affected with TSC1-related conditions. Variants that disrupt the consensus splice site are a relatively common cause of aberrant splicing (PMID: 17576681, 9536098). Algorithms developed to predict the effect of sequence changes on RNA splicing suggest that this variant is not likely to affect RNA splicing. In summary, the available evidence is currently insufficient to determine the role of this variant in disease. Therefore, it has been classified as a Variant of Uncertain Significance.

Literature cited by the submitters: PubMed 17576681; PubMed 9536098.

NM_000368.5(TSC1):c.663+4A>G

Gene: TSC1 (TSC complex subunit 1; minus strand). Cytogenetic location: 9q34.13.
Variant type: single nucleotide variant.
Coding change: c.663+4A>G on transcript NM_000368.5 (MANE Select); 4 bases into the intron after coding-DNA position 663, A replaced by G.
Molecular consequence: intron variant.
Genome position (GRCh38, 1-based): chr9:132,921,815, T>C on the plus strand (A>G on the coding strand, the complement: TSC1 is on the minus strand). VCF-style: chr9-132921815-T-C. GRCh37 (hg19) VCF-style: chr9-135797202-T-C.
Other names: c.300+4A>G (NM_001406620.1, NM_001406618.1, NM_001406625.1 and 10 more transcripts); c.510+4A>G (NM_001406613.1, NM_001406612.1, NM_001406610.1 and 2 more transcripts); c.-215+4A>G (NM_001406627.1, NM_001406628.1, NM_001406626.1); c.-357+4A>G (NM_001406629.1); c.663+4A>G (NM_001406603.1, NM_001406609.1, NM_001406597.1 and 16 more transcripts); c.-431+4A>G (NM_001406630.1).
Identifiers: ClinVar variation 4725947 (VCV004725947.1).